The following is an entry in ClinVar:

NM_152564.5(VPS13B):c.5272G>A (p.Glu1758Lys)

Gene: VPS13B (vacuolar protein sorting 13 homolog B; plus strand). Cytogenetic location: 8q22.2.
Variant type: single nucleotide variant.
Coding change: c.5272G>A on transcript NM_152564.5 (MANE Select); coding-DNA position 5272, G replaced by A.
Protein change: p.Glu1758Lys; replaces glutamic acid 1758 with lysine.
Molecular consequence: missense variant.
Genome position (GRCh38, 1-based): chr8:99,641,862, G>A. VCF-style: chr8-99641862-G-A. GRCh37 (hg19) VCF-style: chr8-100654090-G-A.
Other names: c.5347G>A, p.Glu1783Lys (NM_017890.5); short protein forms E1758K, E1783K.
Identifiers: ClinVar variation 4996558 (VCV004996558.1).
Genomic context (GRCh38, chr8:99,641,862, plus strand): 5'-TTCTTACAGATCTCTAAACAAGAACAGAAAAAAGTGGATATATTTGATGGAGGCATGGCT[G>A]AAACCTCATCTCGCTACAGTGGTGCTCAGGATAGTGGAATTGGCAGTGACAGTGTTAAAA-3'
Protein context (NP_689777.3, residues 1748-1768): KVDIFDGGMA[Glu1758Lys]TSSRYSGAQD

ClinVar aggregate classification (germline): Uncertain significance (1 of 4 stars; one submission).

Conditions:
VPS13B-related disorder. Also called: VPS13B-related condition.

Submission:

PreventionGenetics, part of Exact Sciences
Classification: Uncertain significance for VPS13B-related condition. Last evaluated: 2026-01-30. Review status: criteria provided, single submitter. Criteria: ACMG Guidelines, 2015. Collection method: clinical testing. Allele origin: germline.
Comment: The VPS13B c.5272G>A variant is predicted to result in the amino acid substitution p.Glu1758Lys. To our knowledge, this variant has not been reported in the literature or in a large population database (gnomAD), indicating this variant is rare. At this time, the clinical significance of this variant is uncertain due to the absence of conclusive functional and genetic evidence.